The following is an entry in ClinVar:

NM_000138.5(FBN1):c.737-17_740del

Gene: FBN1 (fibrillin 1; minus strand). Cytogenetic location: 15q21.1.
Variant type: Deletion.
Coding change: c.737-17_740del on transcript NM_000138.5 (MANE Select); 17 bases into the intron before coding-DNA position 737 through coding-DNA position 740, 21 bases deleted (CTTCTGTAATCTGACAGATGT).
Molecular consequence: splice acceptor variant.
Genome position (GRCh38, 1-based): chr15:48,534,202-48,534,222, ACATCTGTCAGATTACAGAAG deleted on the plus strand (CTTCTGTAATCTGACAGATGT on the coding strand, the reverse complement: FBN1 is on the minus strand); deleting any 21 consecutive bases within chr15:48,534,202-48,534,225 gives the same sequence; the c. name uses the placement nearest the transcript's 3' end. VCF-style (leftmost placement, unchanged base first): chr15-48534201-CACATCTGTCAGATTACAGAAG-C. GRCh37 (hg19) VCF-style: chr15-48826398-CACATCTGTCAGATTACAGAAG-C.
Other names: c.737-17_740delCTTCTGTAATCTGACAGATGT (NM_000138.4).
Identifiers: ClinVar variation 646050 (VCV000646050.6), dbSNP rs1597591735, ClinGen allele CA915946611.

ClinVar aggregate classification (germline): Likely pathogenic (1 of 4 stars; one submission).

Conditions:
Familial thoracic aortic aneurysm and aortic dissection (TAAD). Also called: Thoracic aortic aneurysms and dissections. Identifiers: Orphanet 91387, MedGen C4707243, MONDO:0019625.
Marfan syndrome (MFS). Also called: FBN1-Related Marfan Syndrome; Marfan syndrome type 1; Marfan's syndrome; Marfan syndrome, classic; MARFAN SYNDROME, TYPE I. Identifiers: Orphanet 284963, Orphanet 558, MedGen C0024796, MONDO:0007947, OMIM 154700.

Submission:

Labcorp Genetics (formerly Invitae), Labcorp
Classification: Likely pathogenic for Marfan syndrome; Familial thoracic aortic aneurysm and aortic dissection. Last evaluated: 2018-11-20. Review status: criteria provided, single submitter. Criteria: Invitae Variant Classification Sherloc (09022015). Collection method: clinical testing. Allele origin: germline.
Comment: In summary, the currently available evidence indicates that the variant is pathogenic, but additional data are needed to prove that conclusively. Therefore, this variant has been classified as Likely Pathogenic. Loss-of-function variants in FBN1 are known to be pathogenic (PMID: 17657824, 19293843). This variant is a deletion of the genomic region encompassing part of exon 8 (c.737-17_740del) of the FBN1 gene. It is expected to disrupt RNA splicing and likely results in an absent or disrupted protein product.

Literature cited by the submitters: PubMed 17657824; PubMed 19293843.